The following is an entry in ClinVar:

ClinVar aggregate classification (germline): Uncertain significance (1 of 4 stars; one submission).

Conditions:
Hereditary cancer-predisposing syndrome. Also called: Tumor predisposition; Neoplastic Syndromes, Hereditary; Hereditary Cancer Syndrome; Hereditary neoplastic syndrome. Identifiers: Orphanet 140162, MedGen C0027672, MeSH D009386, MONDO:0015356.

Submission:

Ambry Genetics
Classification: Uncertain significance for Hereditary cancer-predisposing syndrome. Last evaluated: 2025-02-14. Review status: criteria provided, single submitter. Criteria: Ambry Variant Classification Scheme 2023. Collection method: clinical testing. Allele origin: germline.
Comment: The p.P44Q variant (also known as c.131C>A), located in coding exon 1 of the MSH6 gene, results from a C to A substitution at nucleotide position 131. The proline at codon 44 is replaced by glutamine, an amino acid with similar properties. This amino acid position is conserved. In addition, this alteration is predicted to be tolerated by in silico analysis. Based on the available evidence, the clinical significance of this variant remains unclear.

NM_000179.3(MSH6):c.131C>A (p.Pro44Gln)

Gene: MSH6 (mutS homolog 6; plus strand). Cytogenetic location: 2p16.3.
Variant type: single nucleotide variant.
Coding change: c.131C>A on transcript NM_000179.3 (MANE Select); coding-DNA position 131, C replaced by A.
Protein change: p.Pro44Gln; replaces proline 44 with glutamine.
Molecular consequence: missense variant. On other transcripts: 5 prime UTR variant (7), non-coding transcript variant (5), intron variant (5).
Genome position (GRCh38, 1-based): chr2:47,783,364, C>A. VCF-style: chr2-47783364-C-A. GRCh37 (hg19) VCF-style: chr2-48010503-C-A.
Other names: c.131C>A, p.Pro44Gln (NM_001281492.2, NM_001406795.1, NM_001406796.1 and 9 more transcripts); c.-606C>A (NM_001281493.2, NM_001406811.1); c.-198C>A (NM_001406799.1); c.76C>A, p.Gln26Lys (NM_001406804.1); c.-798C>A (NM_001406807.1); c.-453C>A (NM_001406812.1); c.-864C>A (NM_001406814.1); c.-409C>A (NM_001406816.1); and 3 more; short protein forms P44Q, Q26K.
Identifiers: ClinVar variation 3875091 (VCV003875091.1).